The following is an entry in ClinVar:

NM_000122.2(ERCC3):c.241G>A (p.Asp81Asn)

Gene: ERCC3 (ERCC excision repair 3, TFIIH core complex helicase subunit; minus strand). Cytogenetic location: 2q14.3.
Variant type: single nucleotide variant.
Coding change: c.241G>A on transcript NM_000122.2 (MANE Select); coding-DNA position 241, G replaced by A.
Protein change: p.Asp81Asn; replaces aspartic acid 81 with asparagine.
Molecular consequence: missense variant.
Genome position (GRCh38, 1-based): chr2:127,292,840, C>T on the plus strand (G>A on the coding strand, the complement: ERCC3 is on the minus strand). VCF-style: chr2-127292840-C-T. GRCh37 (hg19) VCF-style: chr2-128050416-C-T.
Other names: c.49G>A, p.Asp17Asn (NM_001303416.2, NM_001303418.2); short protein forms D17N, D81N.
Identifiers: ClinVar variation 3614758 (VCV003614758.2).

ClinVar aggregate classification (germline): Uncertain significance (1 of 4 stars; one submission).

Submission:

Labcorp Genetics (formerly Invitae), Labcorp
Classification: Uncertain significance. Last evaluated: 2024-10-24. Review status: criteria provided, single submitter. Criteria: Invitae Variant Classification Sherloc (09022015). Collection method: clinical testing. Allele origin: germline.
Comment: This sequence change replaces aspartic acid, which is acidic and polar, with asparagine, which is neutral and polar, at codon 81 of the ERCC3 protein (p.Asp81Asn). This variant is not present in population databases (gnomAD no frequency). This variant has not been reported in the literature in individuals affected with ERCC3-related conditions. Invitae Evidence Modeling of protein sequence and biophysical properties (such as structural, functional, and spatial information, amino acid conservation, physicochemical variation, residue mobility, and thermodynamic stability) indicates that this missense variant is not expected to disrupt ERCC3 protein function with a negative predictive value of 80%. In summary, the available evidence is currently insufficient to determine the role of this variant in disease. Therefore, it has been classified as a Variant of Uncertain Significance.